The following is an entry in ClinVar:

ClinVar aggregate classification (germline): Uncertain significance (1 of 4 stars; one submission).

Submission:

GeneDx
Classification: Uncertain significance. Last evaluated: 2022-11-30. Review status: criteria provided, single submitter. Criteria: GeneDx Variant Classification Process June 2021. Collection method: clinical testing. Allele origin: germline. Affected: yes.
Comment: Not observed at significant frequency in large population cohorts (gnomAD); In silico analysis supports that this missense variant has a deleterious effect on protein structure/function; Has not been previously published as pathogenic or benign to our knowledge

NM_020297.4(ABCC9):c.4628C>G (p.Ser1543Cys)

Genes: ABCC9 (ATP binding cassette subfamily C member 9; minus strand), KCNJ8-AS1 (KCNJ8 antisense RNA 1; plus strand). Cytogenetic location: 12p12.1.
Variant type: single nucleotide variant.
Coding change: c.4628C>G on transcript NM_020297.4 (MANE Select); coding-DNA position 4628, C replaced by G.
Protein change: p.Ser1543Cys; replaces serine 1543 with cysteine.
Molecular consequence: missense variant. On other transcripts: 3 prime UTR variant (1).
Genome position (GRCh38, 1-based): chr12:21,801,066, G>C on the plus strand (C>G on the coding strand, the complement: ABCC9 is on the minus strand). VCF-style: chr12-21801066-G-C. GRCh37 (hg19) VCF-style: chr12-21954000-G-C.
Other names: c.4628C>G, p.Ser1543Cys (NM_001377273.1); c.3761C>G, p.Ser1254Cys (NM_001377274.1); c.*154C>G (NM_005691.4); short protein forms S1254C, S1543C.
Identifiers: ClinVar variation 2504478 (VCV002504478.1), dbSNP rs2540764436, ClinGen allele CA384126286.